The following is an entry in ClinVar:

NM_005431.2(XRCC2):c.182T>C (p.Leu61Pro)

Gene: XRCC2 (X-ray repair cross complementing 2; minus strand). Cytogenetic location: 7q36.1.
Variant type: single nucleotide variant.
Coding change: c.182T>C on transcript NM_005431.2 (MANE Select); coding-DNA position 182, T replaced by C.
Protein change: p.Leu61Pro; replaces leucine 61 with proline.
Molecular consequence: missense variant.
Genome position (GRCh38, 1-based): chr7:152,649,303, A>G on the plus strand (T>C on the coding strand, the complement: XRCC2 is on the minus strand). VCF-style: chr7-152649303-A-G. GRCh37 (hg19) VCF-style: chr7-152346388-A-G.
Other names: p.L61P:CTA>CCA; short protein forms L61P.
Identifiers: ClinVar variation 182992 (VCV000182992.12), dbSNP rs730882041, ClinGen allele CA300467.

ClinVar aggregate classification (germline): Uncertain significance. Review status: criteria provided, multiple submitters, no conflicts (2 of 4 stars). 3 submissions from 3 submitters: Uncertain significance (3). Last evaluated 2024-09-02.

Conditions:
Hereditary cancer-predisposing syndrome. Also called: Tumor predisposition; Hereditary Cancer Syndrome; Hereditary neoplastic syndrome; Neoplastic Syndromes, Hereditary. Identifiers: Orphanet 140162, MedGen C0027672, MeSH D009386, MONDO:0015356.

Allele frequency attached by ClinVar (database versions not stated): gnomAD exomes 0.00001.
gnomAD v4.1: 7 of 1,612,492 alleles (0.00043%); highest among the groups gnomAD compares: Non-Finnish European, 0.00059%; no homozygotes.

Submissions (3):

Ambry Genetics
Classification: Uncertain significance for Hereditary cancer-predisposing syndrome. Last evaluated: 2024-09-02. Review status: criteria provided, single submitter. Criteria: Ambry Variant Classification Scheme 2023. Collection method: clinical testing. Allele origin: germline.
Comment: The p.L61P variant (also known as c.182T>C), located in coding exon 3 of the XRCC2 gene, results from a T to C substitution at nucleotide position 182. The leucine at codon 61 is replaced by proline, an amino acid with similar properties. This amino acid position is highly conserved in available vertebrate species. In addition, this alteration is predicted to be deleterious by in silico analysis. Since supporting evidence is limited at this time, the clinical significance of this alteration remains unclear.

Labcorp Genetics (formerly Invitae), Labcorp
Classification: Uncertain significance. Last evaluated: 2022-05-17. Review status: criteria provided, single submitter. Criteria: Invitae Variant Classification Sherloc (09022015). Collection method: clinical testing. Allele origin: germline.
Comment: This sequence change replaces leucine, which is neutral and non-polar, with proline, which is neutral and non-polar, at codon 61 of the XRCC2 protein (p.Leu61Pro). This variant is not present in population databases (gnomAD no frequency). This variant has not been reported in the literature in individuals affected with XRCC2-related conditions. ClinVar contains an entry for this variant (Variation ID: 182992). Algorithms developed to predict the effect of missense changes on protein structure and function (SIFT, PolyPhen-2, Align-GVGD) all suggest that this variant is likely to be disruptive. In summary, the available evidence is currently insufficient to determine the role of this variant in disease. Therefore, it has been classified as a Variant of Uncertain Significance.

GeneDx
Classification: Uncertain significance. Last evaluated: 2014-08-22. Review status: criteria provided, single submitter. Criteria: GeneDx Variant Classification (06012015). Collection method: clinical testing. Allele origin: germline. Affected: yes.
Comment: This variant is denoted XRCC2 c.182T>C at the cDNA level, p.Leu61Pro (L61P) at the protein level, and results in the change of a Leucine to a Proline (CTA>CCA). This variant has not, to our knowledge, been published in the literature as pathogenic or benign. XRCC2 Leu61Pro was not observed in approximately 6,500 individuals of European and African American ancestry in the NHLBI Exome Sequencing Project, indicating it is not a common benign variant in these populations. Since Leucine and Proline differ in some properties, this is considered a semi-conservative amino acid substitution. XRCC2 Leu61Pro occurs at a position that is highly conserved across species. In silico analyses predict that this variant is probably damaging to protein structure and function. Based on currently available information, it is unclear whether XRCC2 Leu61Pro is pathogenic or benign. We consider it to be a variant of uncertain significance.